The following is an entry in ClinVar:

ClinVar aggregate classification (germline): Uncertain significance. Review status: criteria provided, multiple submitters, no conflicts (2 of 4 stars). 2 submissions from 2 submitters: Uncertain significance (2). Last evaluated 2026-03-01.

Conditions:
Inborn genetic diseases. Identifiers: MedGen C0950123, MeSH D030342.

Allele frequency attached by ClinVar (database versions not stated): gnomAD exomes below 0.00001; ExAC 0.00001; TOPMed 0.00001.
gnomAD v4.1: 2 of 1,614,182 alleles (0.00012%); highest among the groups gnomAD compares: Admixed American, 0.0017%; no homozygotes.

Submissions (2):

Ambry Genetics
Classification: Uncertain significance for Inborn genetic diseases. Last evaluated: 2026-03-01. Review status: criteria provided, single submitter. Criteria: Ambry Variant Classification Scheme 2023. Collection method: clinical testing. Allele origin: germline.
Comment: The p.Q1350R variant (also known as c.4049A>G), located in coding exon 13 of the ASXL1 gene, results from an A to G substitution at nucleotide position 4049. The glutamine at codon 1350 is replaced by arginine, an amino acid with highly similar properties. This amino acid position is conserved. In addition, this alteration is predicted to be tolerated by in silico analysis. Based on the available evidence, the clinical significance of this variant remains unclear.

Labcorp Genetics (formerly Invitae), Labcorp
Classification: Uncertain significance. Last evaluated: 2023-11-15. Review status: criteria provided, single submitter. Criteria: Invitae Variant Classification Sherloc (09022015). Collection method: clinical testing. Allele origin: germline.
Comment: This sequence change replaces glutamine, which is neutral and polar, with arginine, which is basic and polar, at codon 1350 of the ASXL1 protein (p.Gln1350Arg). This variant is present in population databases (rs764491073, gnomAD 0.003%). This variant has not been reported in the literature in individuals affected with ASXL1-related conditions. An algorithm developed to predict the effect of missense changes on protein structure and function (PolyPhen-2) suggests that this variant is likely to be tolerated. In summary, the available evidence is currently insufficient to determine the role of this variant in disease. Therefore, it has been classified as a Variant of Uncertain Significance.

NM_015338.6(ASXL1):c.4049A>G (p.Gln1350Arg)

Gene: ASXL1 (ASXL transcriptional regulator 1; plus strand). Cytogenetic location: 20q11.21.
Variant type: single nucleotide variant.
Coding change: c.4049A>G on transcript NM_015338.6 (MANE Select); coding-DNA position 4049, A replaced by G.
Protein change: p.Gln1350Arg; replaces glutamine 1350 with arginine.
Molecular consequence: missense variant.
Genome position (GRCh38, 1-based): chr20:32,436,761, A>G. VCF-style: chr20-32436761-A-G. GRCh37 (hg19) VCF-style: chr20-31024564-A-G.
Other names: c.3866A>G, p.Gln1289Arg (NM_001363734.1); short protein forms Q1289R, Q1350R.
Identifiers: ClinVar variation 2793671 (VCV002793671.4), dbSNP rs764491073, ClinGen allele CA9808955.
Genomic context (GRCh38, chr20:32,436,761, plus strand): 5'-CTCCAGTTTTTCCCAGTGGGAAGTTGGGACCAAGCACAAACTCCATGTCTGGTGGGGTAC[A>G]GACTCCAAGGGAAGACTGGGCTCCAAAGCCACATGCCTTTGTTGGCAGCGTCAAGAATGA-3'
Protein context (NP_056153.2, residues 1340-1360): PSTNSMSGGV[Gln1350Arg]TPREDWAPKP